The following is an entry in ClinVar:

NM_006129.5(BMP1):c.856A>C (p.Ile286Leu)

Gene: BMP1 (bone morphogenetic protein 1; plus strand). Cytogenetic location: 8p21.3.
Variant type: single nucleotide variant.
Coding change: c.856A>C on transcript NM_006129.5 (MANE Select); coding-DNA position 856, A replaced by C.
Protein change: p.Ile286Leu; replaces isoleucine 286 with leucine.
Molecular consequence: missense variant. On other transcripts: non-coding transcript variant (2).
Genome position (GRCh38, 1-based): chr8:22,179,724, A>C. VCF-style: chr8-22179724-A-C. GRCh37 (hg19) VCF-style: chr8-22037237-A-C.
Other names: c.856A>C, p.Ile286Leu (NM_001199.4); short protein forms I286L.
Identifiers: ClinVar variation 1517032 (VCV001517032.6), dbSNP rs778091591, ClinGen allele CA370543514.
Genomic context (GRCh38, chr8:22,179,724, plus strand): 5'-TCCATGAGACGCTCACCCTTACTTTTCTCCCTCTTCTTCAGGGGCATCTTCCTGGATACC[A>C]TTGTCCCCAAGTATGAGGTGAACGGGGTGAAACCTCCCATTGGCCAAAGGACACGGCTCA-3'
Protein context (NP_006120.1, residues 276-296): TFSRGIFLDT[Ile286Leu]VPKYEVNGVK

ClinVar aggregate classification (germline): Uncertain significance (1 of 4 stars; one submission).

Submission:

Labcorp Genetics (formerly Invitae), Labcorp
Classification: Uncertain significance. Last evaluated: 2022-10-07. Review status: criteria provided, single submitter. Criteria: Invitae Variant Classification Sherloc (09022015). Collection method: clinical testing. Allele origin: germline.
Comment: Advanced modeling of protein sequence and biophysical properties (such as structural, functional, and spatial information, amino acid conservation, physicochemical variation, residue mobility, and thermodynamic stability) performed at Invitae indicates that this missense variant is not expected to disrupt BMP1 protein function. In summary, the available evidence is currently insufficient to determine the role of this variant in disease. Therefore, it has been classified as a Variant of Uncertain Significance. ClinVar contains an entry for this variant (Variation ID: 1517032). This sequence change replaces isoleucine, which is neutral and non-polar, with leucine, which is neutral and non-polar, at codon 286 of the BMP1 protein (p.Ile286Leu). This variant is not present in population databases (gnomAD no frequency). This variant has not been reported in the literature in individuals affected with BMP1-related conditions.